The following is an entry in ClinVar:

NM_000701.8(ATP1A1):c.1394G>A (p.Gly465Asp)

Genes: ATP1A1 (ATPase Na+/K+ transporting subunit alpha 1; plus strand), ATP1A1-AS1 (ATP1A1 antisense RNA 1; minus strand). Cytogenetic location: 1p13.1.
Variant type: single nucleotide variant.
Coding change: c.1394G>A on transcript NM_000701.8 (MANE Select); coding-DNA position 1394, G replaced by A.
Protein change: p.Gly465Asp; replaces glycine 465 with aspartic acid.
Molecular consequence: missense variant. On other transcripts: non-coding transcript variant (1).
Genome position (GRCh38, 1-based): chr1:116,392,915, G>A. VCF-style: chr1-116392915-G-A. GRCh37 (hg19) VCF-style: chr1-116935537-G-A.
Other names: c.1301G>A, p.Gly434Asp (NM_001160234.2); c.1394G>A, p.Gly465Asp (NM_001160233.2); short protein forms G434D, G465D.
Identifiers: ClinVar variation 2494700 (VCV002494700.4), dbSNP rs1652585040, ClinGen allele CA341770397.

ClinVar aggregate classification (germline): Uncertain significance. Review status: criteria provided, multiple submitters, no conflicts (2 of 4 stars). 2 submissions from 2 submitters: Uncertain significance (2). Last evaluated 2025-05-22.

Conditions:
Inborn genetic diseases. Identifiers: MedGen C0950123, MeSH D030342.

Allele frequency attached by ClinVar (database versions not stated): TOPMed 0.00001; gnomAD exomes below 0.00001; gnomAD 0.00001.
gnomAD v4.1: 5 of 1,614,068 alleles (0.00031%); highest among the groups gnomAD compares: Non-Finnish European, 0.00042%; no homozygotes.

Submissions (2):

Labcorp Genetics (formerly Invitae), Labcorp
Classification: Uncertain significance. Last evaluated: 2025-05-22. Review status: criteria provided, single submitter. Criteria: Invitae Variant Classification Sherloc (09022015). Collection method: clinical testing. Allele origin: germline.
Comment: This sequence change replaces glycine, which is neutral and non-polar, with aspartic acid, which is acidic and polar, at codon 465 of the ATP1A1 protein (p.Gly465Asp). This variant is not present in population databases (gnomAD no frequency). This variant has not been reported in the literature in individuals affected with ATP1A1-related conditions. ClinVar contains an entry for this variant (Variation ID: 2494700). Invitae Evidence Modeling of protein sequence and biophysical properties (such as structural, functional, and spatial information, amino acid conservation, physicochemical variation, residue mobility, and thermodynamic stability) indicates that this missense variant is expected to disrupt ATP1A1 protein function with a positive predictive value of 80%. In summary, the available evidence is currently insufficient to determine the role of this variant in disease. Therefore, it has been classified as a Variant of Uncertain Significance.

Ambry Genetics
Classification: Uncertain significance for Inborn genetic diseases. Last evaluated: 2023-03-06. Review status: criteria provided, single submitter. Criteria: Ambry Variant Classification Scheme 2023. Collection method: clinical testing. Allele origin: germline.